The following is an entry in ClinVar:

ClinVar aggregate classification (germline): Uncertain significance. Review status: criteria provided, multiple submitters, no conflicts (2 of 4 stars). 2 submissions from 2 submitters: Uncertain significance (2). Last evaluated 2024-05-24.

Conditions:
Colorectal cancer, susceptibility to, 1. Also called: COLORECTAL ADENOMA AND CANCER, SUSCEPTIBILITY TO; COLORECTAL CANCER, SUSCEPTIBILITY TO, ON CHROMOSOME 9. Identifiers: MedGen C1837315, MONDO:0012132, OMIM 608812.

Allele frequency attached by ClinVar (database versions not stated): ExAC 0.00001; gnomAD 0.00001; gnomAD exomes 0.00001; TOPMed 0.00001.

Submissions (2):

Ambry Genetics
Classification: Uncertain significance. Last evaluated: 2024-05-24. Review status: criteria provided, single submitter. Criteria: Ambry Variant Classification Scheme 2023. Collection method: clinical testing. Allele origin: germline.
Comment: The p.H501Y variant (also known as c.1501C>T), located in coding exon 9 of the GALNT12 gene, results from a C to T substitution at nucleotide position 1501. The histidine at codon 501 is replaced by tyrosine, an amino acid with similar properties. This amino acid position is not well conserved in available vertebrate species. In addition, this alteration is predicted to be tolerated by in silico analysis. The evidence for this gene-disease relationship is limited; therefore, the clinical significance of this alteration is unclear.

Baylor Genetics
Classification: Uncertain significance for Colorectal cancer, susceptibility to, 1. Last evaluated: 2024-03-08. Review status: criteria provided, single submitter. Criteria: ACMG Guidelines, 2015. Collection method: clinical testing. Allele origin: unknown.

NM_024642.5(GALNT12):c.1501C>T (p.His501Tyr)

Gene: GALNT12 (polypeptide N-acetylgalactosaminyltransferase 12; plus strand). Cytogenetic location: 9q22.33.
Variant type: single nucleotide variant.
Coding change: c.1501C>T on transcript NM_024642.5 (MANE Select); coding-DNA position 1501, C replaced by T.
Protein change: p.His501Tyr; replaces histidine 501 with tyrosine.
Molecular consequence: missense variant.
Genome position (GRCh38, 1-based): chr9:98,846,019, C>T. VCF-style: chr9-98846019-C-T. GRCh37 (hg19) VCF-style: chr9-101608301-C-T.
Other names: short protein forms H501Y.
Identifiers: ClinVar variation 819392 (VCV000819392.6), dbSNP rs751724626, ClinGen allele CA5154304.